The following is an entry in ClinVar:

NM_003072.5(SMARCA4):c.4425-3C>G

Gene: SMARCA4 (SWI/SNF related BAF chromatin remodeling complex subunit ATPase 4; plus strand). Cytogenetic location: 19p13.2.
Variant type: single nucleotide variant.
Coding change: c.4425-3C>G on transcript NM_003072.5 (MANE Select); 3 bases into the intron before coding-DNA position 4425, C replaced by G.
Molecular consequence: intron variant.
Genome position (GRCh38, 1-based): chr19:11,058,252, C>G. VCF-style: chr19-11058252-C-G. GRCh37 (hg19) VCF-style: chr19-11168928-C-G.
Other names: c.4425-3C>G (NM_001128844.3); c.4521-3C>G (NM_001128849.3); c.4326-3C>G (NM_001128847.4, NM_001374457.1); c.4335-3C>G (NM_001128845.2); c.4335-6C>G (NM_001128846.2); c.4326-6C>G (NM_001128848.2).
Identifiers: ClinVar variation 824970 (VCV000824970.9), dbSNP rs748738510, ClinGen allele CA915952897.
Genomic context (GRCh38, chr19:11,058,252, plus strand): 5'-GGTGGGGTGGGGGCTCCCGGGTGGGCGGACTCGGGGGTGATAGCCGCCGGTTCTGCCTTG[C>G]AGCAGCAGTGGACGTCAGCTCAGCGAGGTCTTCATCCAGCTGCCCTCGCGAAAGGAGCTG-3'

ClinVar aggregate classification (germline): Uncertain significance. Review status: criteria provided, multiple submitters, no conflicts (2 of 4 stars). 2 submissions from 2 submitters: Uncertain significance (2). Last evaluated 2025-02-25.

Conditions:
Hereditary cancer-predisposing syndrome. Also called: Neoplastic Syndromes, Hereditary; Tumor predisposition; Hereditary neoplastic syndrome; Hereditary Cancer Syndrome. Identifiers: Orphanet 140162, MedGen C0027672, MeSH D009386, MONDO:0015356.
Rhabdoid tumor predisposition syndrome 2 (RTPS2). Identifiers: Orphanet 231108, Orphanet 69077, MedGen C2750074, MONDO:0013224, OMIM 613325.

Allele frequency attached by ClinVar (database versions not stated): TOPMed below 0.00001; gnomAD 0.00001.
gnomAD v4.1: 4 of 1,608,432 alleles (0.00025%); highest among the groups gnomAD compares: East Asian, 0.0022%; no homozygotes.

Submissions (2):

Labcorp Genetics (formerly Invitae), Labcorp
Classification: Uncertain significance for Rhabdoid tumor predisposition syndrome 2. Last evaluated: 2025-02-25. Review status: criteria provided, single submitter. Criteria: Invitae Variant Classification Sherloc (09022015). Collection method: clinical testing. Allele origin: germline.
Comment: This sequence change falls in intron 31 of the SMARCA4 gene. It does not directly change the encoded amino acid sequence of the SMARCA4 protein. It affects a nucleotide within the consensus splice site. This variant is not present in population databases (gnomAD no frequency). This variant has not been reported in the literature in individuals affected with SMARCA4-related conditions. ClinVar contains an entry for this variant (Variation ID: 824970). Variants that disrupt the consensus splice site are a relatively common cause of aberrant splicing (PMID: 17576681, 9536098). Studies have shown that this variant is associated with inconclusive levels of altered splicing (internal data). In summary, the available evidence is currently insufficient to determine the role of this variant in disease. Therefore, it has been classified as a Variant of Uncertain Significance.

Ambry Genetics
Classification: Uncertain significance for Hereditary cancer-predisposing syndrome. Last evaluated: 2019-07-03. Review status: criteria provided, single submitter. Criteria: Ambry Variant Classification Scheme 2023. Collection method: clinical testing. Allele origin: germline.
Comment: The c.4521-3C>G intronic variant results from a C to G substitution 3 nucleotides upstream from coding exon 31 in the SMARCA4 gene. This nucleotide position is well conserved in available vertebrate species. Based on two different splice site prediction tools, this alteration is expected to abolish the native splice acceptor site; however, experimental evidence is not currently available. Since supporting evidence is limited at this time, the clinical significance of this alteration remains unclear.

Literature cited by the submitters: PubMed 17576681 (cited by Labcorp Genetics (formerly Invitae), Labcorp); PubMed 9536098 (cited by Labcorp Genetics (formerly Invitae), Labcorp).